The following is an entry in ClinVar:

ClinVar aggregate classification (germline): Conflicting classifications of pathogenicity. Review status: criteria provided, conflicting classifications (1 of 4 stars). 6 submissions from 6 submitters: Uncertain significance (5); Benign (1). Last evaluated 2025-06-27.

Conditions:
Tuberous sclerosis syndrome (TSC). Also called: Tuberous Sclerosis Complex; Tuberous sclerosis. Identifiers: Orphanet 805, MedGen C0041341, MONDO:0001734.
Hereditary cancer-predisposing syndrome. Also called: Tumor predisposition; Neoplastic Syndromes, Hereditary; Hereditary Cancer Syndrome; Hereditary neoplastic syndrome. Identifiers: Orphanet 140162, MedGen C0027672, MeSH D009386, MONDO:0015356.
Isolated focal cortical dysplasia type II (FCORD2). Also called: CORTICAL DYSPLASIA OF TAYLOR; Focal cortical dysplasia type II. Identifiers: Orphanet 268994, MedGen C1846385, MONDO:0011818, OMIM 607341, HP:0032051.
Tuberous sclerosis 2 (TSC2). Identifiers: Orphanet 805, MedGen C1860707, MONDO:0013199, OMIM 613254.

Allele frequency attached by ClinVar (database versions not stated): gnomAD exomes below 0.00001; TOPMed below 0.00001; gnomAD 0.00001.
gnomAD v4.1: 3 of 1,614,068 alleles (0.00019%); highest among the groups gnomAD compares: Non-Finnish European, 0.00025%; no homozygotes.

Submissions (6):

Ambry Genetics
Classification: Uncertain significance for Hereditary cancer-predisposing syndrome. Last evaluated: 2025-06-27. Review status: criteria provided, single submitter. Criteria: Ambry Variant Classification Scheme 2023. Collection method: clinical testing. Allele origin: germline.
Comment: The p.D396V variant (also known as c.1187A>T), located in coding exon 11 of the TSC2 gene, results from an A to T substitution at nucleotide position 1187. The aspartic acid at codon 396 is replaced by valine, an amino acid with highly dissimilar properties. This amino acid position is not well conserved in available vertebrate species. In addition, this alteration is predicted to be deleterious by in silico analysis. Based on the available evidence, the clinical significance of this variant remains unclear.

Labcorp Genetics (formerly Invitae), Labcorp
Classification: Benign for Tuberous sclerosis 2. Last evaluated: 2025-05-11. Review status: criteria provided, single submitter. Criteria: Invitae Variant Classification Sherloc (09022015). Collection method: clinical testing. Allele origin: germline.

Baylor Genetics
Classification: Uncertain significance for Isolated focal cortical dysplasia type II. Last evaluated: 2023-11-20. Review status: criteria provided, single submitter. Criteria: ACMG Guidelines, 2015. Collection method: clinical testing. Allele origin: unknown.

All of Us Research Program, National Institutes of Health
Classification: Uncertain significance for Tuberous sclerosis syndrome. Last evaluated: 2023-08-15. Review status: criteria provided, single submitter. Criteria: ACMG Guidelines, 2015. Collection method: clinical testing. Allele origin: germline. Inheritance: Autosomal dominant inheritance. Observed: 1 variant allele, 1 heterozygote.
Comment: This study involves interpretation of variants in research participants for the purpose of population health screening. Participant phenotype was not available at the time of variant classification. Additional details can be found in publication PMID: 35346344, PMCID: PMC8962531

Genome-Nilou Lab
Classification: Uncertain significance for Tuberous sclerosis 2. Last evaluated: 2021-11-07. Review status: criteria provided, single submitter. Criteria: ACMG Guidelines, 2015. Collection method: clinical testing. Allele origin: germline. Affected: no.

CENTOGENE GmbH and LLC - Guiding Precision Medicine
Classification: Uncertain significance for Tuberous sclerosis 2. Last evaluated: 2018-10-22. Review status: criteria provided, single submitter. Criteria: ACMG Guidelines, 2015. Collection method: clinical testing. Allele origin: germline.

NM_000548.5(TSC2):c.1187A>T (p.Asp396Val)

Gene: TSC2 (TSC complex subunit 2; plus strand). Cytogenetic location: 16p13.3.
Variant type: single nucleotide variant.
Coding change: c.1187A>T on transcript NM_000548.5 (MANE Select); coding-DNA position 1187, A replaced by T.
Protein change: p.Asp396Val; replaces aspartic acid 396 with valine.
Molecular consequence: missense variant.
Genome position (GRCh38, 1-based): chr16:2,061,938, A>T. VCF-style: chr16-2061938-A-T. GRCh37 (hg19) VCF-style: chr16-2111939-A-T.
Other names: c.1187A>T, p.Asp396Val (NM_001077183.3, NM_001114382.3, NM_001363528.2 and 3 more transcripts); c.1076A>T, p.Asp359Val (NM_001318827.2); c.1040A>T, p.Asp347Val (NM_001318829.2); c.587A>T, p.Asp196Val (NM_001318831.2); c.1220A>T, p.Asp407Val (NM_001318832.2); short protein forms D396V, D196V, D359V, D347V, D407V.
Identifiers: ClinVar variation 486658 (VCV000486658.20), dbSNP rs1365616275, ClinGen allele CA394320618.